The following is an entry in ClinVar:

NM_181675.4(PPP2R2B):c.1274A>G (p.Asn425Ser)

Genes: PPP2R2B (protein phosphatase 2 regulatory subunit Bbeta; minus strand), PPP2R2B-AS2 (PPP2R2B antisense RNA 2; plus strand). Cytogenetic location: 5q32.
Variant type: single nucleotide variant.
Coding change: c.1274A>G on transcript NM_181675.4 (MANE Select); coding-DNA position 1274, A replaced by G.
Protein change: p.Asn425Ser; replaces asparagine 425 with serine.
Molecular consequence: missense variant.
Genome position (GRCh38, 1-based): chr5:146,590,005, T>C on the plus strand (A>G on the coding strand, the complement: PPP2R2B is on the minus strand). VCF-style: chr5-146590005-T-C. GRCh37 (hg19) VCF-style: chr5-145969568-T-C.
Other names: c.1292A>G, p.Asn431Ser (NM_001271899.1); c.1448A>G, p.Asn483Ser (NM_001271900.2); c.1241A>G, p.Asn414Ser (NM_001271948.2, NM_181678.2); c.1274A>G, p.Asn425Ser (NM_001428277.1, NM_001428279.1); c.1472A>G, p.Asn491Ser (NM_181674.3); c.1283A>G, p.Asn428Ser (NM_181676.3); c.1214A>G, p.Asn405Ser (NM_181677.2); short protein forms N405S, N414S, N425S, N428S, N431S, N483S, N491S.
Identifiers: ClinVar variation 5037140 (VCV005037140.1).

ClinVar aggregate classification (germline): Uncertain significance (1 of 4 stars; one submission).

Submission:

GeneDx
Classification: Uncertain significance. Last evaluated: 2026-04-13. Review status: criteria provided, single submitter. Criteria: GeneDx Variant Classification Process June 2021. Collection method: clinical testing. Allele origin: germline.
Comment: Not observed at significant frequency in large population cohorts (gnomAD); In silico analysis supports that this missense variant has a deleterious effect on protein structure/function; Has not been previously published as pathogenic or benign to our knowledge